The following is an entry in ClinVar:

NM_024675.4(PALB2):c.3351-1G>C

Gene: PALB2 (partner and localizer of BRCA2; minus strand). Cytogenetic location: 16p12.2.
Variant type: single nucleotide variant.
Coding change: c.3351-1G>C on transcript NM_024675.4 (MANE Select); the canonical splice acceptor site of the intron before coding-DNA position 3351, G replaced by C.
Molecular consequence: splice acceptor variant.
Genome position (GRCh38, 1-based): chr16:23,603,670, C>G on the plus strand (G>C on the coding strand, the complement: PALB2 is on the minus strand). VCF-style: chr16-23603670-C-G. GRCh37 (hg19) VCF-style: chr16-23614991-C-G.
Other names: c.2229-1G>C (NM_001407308.1, NM_001407309.1); c.2466-1G>C (NM_001407306.1, NM_001407305.1, NM_001407304.1); c.885-1G>C (NM_001407314.1); c.1414-1G>C (NM_001407313.1); c.1563-1G>C (NM_001407312.1); c.3291-1G>C (NM_001407296.1); c.3279-1G>C (NM_001407297.1); c.3040-1G>C (NM_001407302.1); and 6 more.
Identifiers: ClinVar variation 823650 (VCV000823650.8), dbSNP rs1597062406, ClinGen allele CA395138433.
Genomic context (GRCh38, chr16:23,603,670, plus strand): 5'-ATTGTTCCAGAAGTCAAGATTGCTGCTGCACAGTGATCTTTCACGTCACCTTCCAGGAAC[C>G]TGATAGCATACAAAGAAGATATAATTCAGATTACATATCCAAAAAACAATTAAAAAAAAA-3'

ClinVar aggregate classification (germline): Pathogenic/Likely pathogenic. Review status: criteria provided, multiple submitters, no conflicts (2 of 4 stars). 3 submissions from 3 submitters: Pathogenic (1); Likely pathogenic (2). Last evaluated 2025-09-20.

Conditions:
Hereditary cancer-predisposing syndrome. Also called: Neoplastic Syndromes, Hereditary; Tumor predisposition; Hereditary neoplastic syndrome; Hereditary Cancer Syndrome. Identifiers: Orphanet 140162, MedGen C0027672, MeSH D009386, MONDO:0015356.
Familial cancer of breast. Also called: BREAST CANCER, FAMILIAL; Hereditary breast cancer; hereditary breast carcinoma. Identifiers: Orphanet 227535, MedGen C0346153, MONDO:0016419, OMIM 114480. Disease mechanism: loss of function.

Submissions (3):

Labcorp Genetics (formerly Invitae), Labcorp
Classification: Pathogenic for Familial cancer of breast. Last evaluated: 2025-09-20. Review status: criteria provided, single submitter. Criteria: Invitae Variant Classification Sherloc (09022015). Collection method: clinical testing. Allele origin: germline.
Comment: This sequence change affects an acceptor splice site in intron 12 of the PALB2 gene. RNA analysis indicates that disruption of this splice site induces altered splicing and likely disrupts the C-terminus of the protein. This variant is not present in population databases (gnomAD no frequency). Disruption of this splice site has been observed in individual(s) with ovarian cancer (PMID: 31650731). ClinVar contains an entry for this variant (Variation ID: 823650). Variants that disrupt the consensus splice site are a relatively common cause of aberrant splicing (PMID: 17576681, 9536098). Studies have shown that disruption of this splice site results in retention of intron 12 and introduces a new termination codon (internal data). However the mRNA is not expected to undergo nonsense-mediated decay. This variant disrupts a region of the PALB2 protein in which other variant(s) (p.Tyr1183*) have been determined to be pathogenic (PMID: 17200671, 20927582, 21165770, 21365267). This suggests that this is a clinically significant region of the protein, and that variants that disrupt it are likely to be disease-causing. For these reasons, this variant has been classified as Pathogenic.

Ambry Genetics
Classification: Likely pathogenic for Hereditary cancer-predisposing syndrome. Last evaluated: 2025-02-24. Review status: criteria provided, single submitter. Criteria: Ambry Variant Classification Scheme 2023. Collection method: clinical testing. Allele origin: germline.
Comment: The c.3351-1G>C intronic variant results from a G to C substitution one nucleotide upstream from coding exon 13 of the PALB2 gene. This nucleotide position is highly conserved in available vertebrate species. In silico splice site analysis predicts that this alteration will weaken the native splice acceptor site; however, direct evidence is insufficient at this time (Ambry internal data). Alterations that disrupt the canonical splice site are expected to cause aberrant splicing, resulting in an abnormal protein or a transcript that is subject to nonsense-mediated mRNA decay. As such, this alteration is classified as likely pathogenic.

Myriad Genetics, Inc.
Classification: Likely pathogenic for Familial cancer of breast. Last evaluated: 2023-09-15. Review status: criteria provided, single submitter. Criteria: Myriad Autosomal Dominant, Autosomal Recessive and X-Linked Classification Criteria (2023). Collection method: clinical testing. Allele origin: unknown.
Comment: This variant is considered likely pathogenic. This variant occurs within a consensus splice junction and is predicted to result in abnormal mRNA splicing of either an out-of-frame exon or an in-frame exon necessary for protein stability and/or normal function.

Literature cited by the submitters: PubMed 31650731 (cited by Labcorp Genetics (formerly Invitae), Labcorp and Ambry Genetics); PubMed 17576681 (cited by Labcorp Genetics (formerly Invitae), Labcorp); PubMed 9536098 (cited by Labcorp Genetics (formerly Invitae), Labcorp); PubMed 17200671 (cited by Labcorp Genetics (formerly Invitae), Labcorp); PubMed 20927582 (cited by Labcorp Genetics (formerly Invitae), Labcorp); PubMed 21165770 (cited by Labcorp Genetics (formerly Invitae), Labcorp); PubMed 21365267 (cited by Labcorp Genetics (formerly Invitae), Labcorp).